The following is an entry in ClinVar:

NM_015443.4(KANSL1):c.1258A>G (p.Arg420Gly)

Gene: KANSL1 (KAT8 regulatory NSL complex subunit 1). Cytogenetic location: 17q21.31.
Variant type: single nucleotide variant.
Coding change: c.1258A>G on transcript NM_015443.4 (MANE Select); coding-DNA position 1258, A replaced by G.
Protein change: p.Arg420Gly; replaces arginine 420 with glycine.
Molecular consequence: missense variant.
Genome position (GRCh38, 1-based): chr17:46,170,886, T>C on the plus strand (A>G on the coding strand, the complement: KANSL1 is on the minus strand). VCF-style: chr17-46170886-T-C. GRCh37 (hg19) VCF-style: chr17-44248252-T-C.
Other names: c.1258A>G, p.Arg420Gly (NM_001193465.2, NM_001193466.2, NM_001379198.1); short protein forms R420G.
Identifiers: ClinVar variation 1348649 (VCV001348649.6), dbSNP rs2147730677, ClinGen allele CA399978557.

ClinVar aggregate classification (germline): Uncertain significance. Review status: criteria provided, multiple submitters, no conflicts (2 of 4 stars). 2 submissions from 2 submitters: Uncertain significance (2). Last evaluated 2024-04-07.

Conditions:
Koolen-de Vries syndrome (KDVS). Identifiers: Orphanet 96169, MedGen C1864871, MONDO:0012496, OMIM 610443.

gnomAD v4.1: 1 of 1,613,018 alleles (0.000062%); highest among the groups gnomAD compares: Middle Eastern, 0.017%; no homozygotes.

Submissions (2):

Fulgent Genetics
Classification: Uncertain significance for Koolen-de Vries syndrome. Last evaluated: 2024-04-07. Review status: criteria provided, single submitter. Criteria: ACMG Guidelines, 2015. Collection method: clinical testing. Allele origin: germline.

Labcorp Genetics (formerly Invitae), Labcorp
Classification: Uncertain significance for Koolen-de Vries syndrome. Last evaluated: 2021-09-17. Review status: criteria provided, single submitter. Criteria: Invitae Variant Classification Sherloc (09022015). Collection method: clinical testing. Allele origin: germline.
Comment: Due to the possible presence of a polymorphic segmental duplication, the location of the variant could not be unambiguously resolved. Variants with ambiguous mapping are still reported relative to the KANSL1 transcript. This sequence change replaces arginine with glycine at codon 420 of the KANSL1 protein (p.Arg420Gly). The arginine residue is highly conserved and there is a moderate physicochemical difference between arginine and glycine. The frequency data for this variant in the population databases (ExAC) is considered unreliable due to the presence of homologous sequence, such as pseudogenes or paralogs, in the genome. This variant has not been reported in the literature in individuals with KANSL1-related conditions. Algorithms developed to predict the effect of missense changes on protein structure and function are either unavailable or do not agree on the potential impact of this missense change (SIFT: "Tolerated"; PolyPhen-2: "Possibly Damaging"; Align-GVGD: "Class C15"). Until the location of this sequence change can be resolved, the clinical significance of this variant remains uncertain. It has been classified as a Variant of Uncertain Significance.